The following is an entry in ClinVar:

ClinVar aggregate classification (germline): Uncertain significance. Review status: criteria provided, multiple submitters, no conflicts (2 of 4 stars). 2 submissions from 2 submitters: Uncertain significance (2). Last evaluated 2026-03-06.

Allele frequency attached by ClinVar (database versions not stated): gnomAD 0.00001; gnomAD exomes 0.00001.

Submissions (2):

Women's Health and Genetics/Laboratory Corporation of America, LabCorp
Classification: Uncertain significance. Last evaluated: 2026-03-06. Review status: criteria provided, single submitter. Criteria: LabCorp Variant Classification Summary - May 2015. Collection method: clinical testing. Allele origin: germline.
Comment: Variant summary: PAFAH1B1 c.1046G>A (p.Gly349Glu) results in a non-conservative amino acid change in the encoded protein sequence. Algorithms developed to predict the effect of missense changes on protein structure and function are either unavailable or do not agree on the potential impact of this missense change. The variant was absent in 251484 control chromosomes. The available data on variant occurrences in the general population are insufficient to allow any conclusion about variant significance. To our knowledge, no occurrence of c.1046G>A in individuals affected with PAFAH1B1-related conditions and no experimental evidence demonstrating its impact on protein function have been reported. ClinVar contains an entry for this variant (Variation ID: 1431469). Based on the evidence outlined above, the variant was classified as uncertain significance.

Labcorp Genetics (formerly Invitae), Labcorp
Classification: Uncertain significance. Last evaluated: 2023-10-28. Review status: criteria provided, single submitter. Criteria: Invitae Variant Classification Sherloc (09022015). Collection method: clinical testing. Allele origin: germline.
Comment: This sequence change replaces glycine, which is neutral and non-polar, with glutamic acid, which is acidic and polar, at codon 349 of the PAFAH1B1 protein (p.Gly349Glu). This variant is not present in population databases (gnomAD no frequency). This variant has not been reported in the literature in individuals affected with PAFAH1B1-related conditions. ClinVar contains an entry for this variant (Variation ID: 1431469). An algorithm developed to predict the effect of missense changes on protein structure and function (PolyPhen-2) suggests that this variant is likely to be tolerated. In summary, the available evidence is currently insufficient to determine the role of this variant in disease. Therefore, it has been classified as a Variant of Uncertain Significance.

NM_000430.4(PAFAH1B1):c.1046G>A (p.Gly349Glu)

Gene: PAFAH1B1 (platelet activating factor acetylhydrolase 1b regulatory subunit 1; plus strand). Cytogenetic location: 17p13.3.
Variant type: single nucleotide variant.
Coding change: c.1046G>A on transcript NM_000430.4 (MANE Select); coding-DNA position 1046, G replaced by A.
Protein change: p.Gly349Glu; replaces glycine 349 with glutamic acid.
Molecular consequence: missense variant.
Genome position (GRCh38, 1-based): chr17:2,680,207, G>A. VCF-style: chr17-2680207-G-A. GRCh37 (hg19) VCF-style: chr17-2583501-G-A.
Other names: short protein forms G349E.
Identifiers: ClinVar variation 1431469 (VCV001431469.7), dbSNP rs1480224569, ClinGen allele CA397642461.
Genomic context (GRCh38, chr17:2,680,207, plus strand): 5'-ACTTTTTTGTTTTTAAGGTGGGTCATGATAACTGGGTACGTGGAGTTCTGTTCCATTCTG[G>A]GGGGAAGTTTATTTTGAGTTGTGCTGATGACAAGACCCTACGCGTATGGGATTACAAGAA-3'
Protein context (NP_000421.1, residues 339-359): NWVRGVLFHS[Gly349Glu]GKFILSCADD